The following is an entry in ClinVar:

ClinVar aggregate classification (germline): Uncertain significance. Review status: criteria provided, multiple submitters, no conflicts (2 of 4 stars). 2 submissions from 2 submitters: Uncertain significance (2). Last evaluated 2023-11-03.

Conditions:
COG1 congenital disorder of glycosylation (CDG2G). Also called: CONGENITAL DISORDER OF GLYCOSYLATION, TYPE IIg; CDG IIg; CDGII/COG1 CEREBROCOSTOMANDIBULAR-LIKE SYNDROME. Identifiers: Orphanet 263508, MedGen C2931011, MONDO:0012637, OMIM 611209.
Inborn genetic diseases. Identifiers: MedGen C0950123, MeSH D030342.

Allele frequency attached by ClinVar (database versions not stated): gnomAD 0.00001; TOPMed 0.00006.
gnomAD v4.1: 2 of 1,614,108 alleles (0.00012%); highest among the groups gnomAD compares: Admixed American, 0.0017%; no homozygotes.

Submissions (2):

Ambry Genetics
Classification: Uncertain significance for Inborn genetic diseases. Last evaluated: 2023-11-03. Review status: criteria provided, single submitter. Criteria: Ambry Variant Classification Scheme 2023. Collection method: clinical testing. Allele origin: germline.

Labcorp Genetics (formerly Invitae), Labcorp
Classification: Uncertain significance for COG1 congenital disorder of glycosylation. Last evaluated: 2022-08-31. Review status: criteria provided, single submitter. Criteria: Invitae Variant Classification Sherloc (09022015). Collection method: clinical testing. Allele origin: germline.
Comment: This sequence change replaces alanine, which is neutral and non-polar, with serine, which is neutral and polar, at codon 488 of the COG1 protein (p.Ala488Ser). This variant is not present in population databases (gnomAD no frequency). This variant has not been reported in the literature in individuals affected with COG1-related conditions. ClinVar contains an entry for this variant (Variation ID: 1421789). Algorithms developed to predict the effect of missense changes on protein structure and function are either unavailable or do not agree on the potential impact of this missense change (SIFT: "Tolerated"; PolyPhen-2: "Possibly Damaging"; Align-GVGD: "Class C0"). In summary, the available evidence is currently insufficient to determine the role of this variant in disease. Therefore, it has been classified as a Variant of Uncertain Significance.

NM_018714.3(COG1):c.1462G>T (p.Ala488Ser)

Gene: COG1 (component of oligomeric golgi complex 1; plus strand). Cytogenetic location: 17q25.1.
Variant type: single nucleotide variant.
Coding change: c.1462G>T on transcript NM_018714.3 (MANE Select); coding-DNA position 1462, G replaced by T.
Protein change: p.Ala488Ser; replaces alanine 488 with serine.
Molecular consequence: missense variant.
Genome position (GRCh38, 1-based): chr17:73,201,289, G>T. VCF-style: chr17-73201289-G-T. GRCh37 (hg19) VCF-style: chr17-71197428-G-T.
Other names: c.1462G>T (NM_018714.2); short protein forms A488S.
Identifiers: ClinVar variation 1421789 (VCV001421789.6), dbSNP rs1451680348, ClinGen allele CA400891675.
Genomic context (GRCh38, chr17:73,201,289, plus strand): 5'-GAGTACAACATGTCGCTCTTCCTCTGGTCTGAGAGTCCTAATGACCTGCCTTCCGATGCG[G>T]CCTGGGTCAGCGTGGCAAACCGGGGTCAGTTTGCCAGTAGCGGCCTCTCCATGAAAGCAC-3'
Protein context (NP_061184.1, residues 478-498): ESPNDLPSDA[Ala488Ser]WVSVANRGQF